The following is an entry in ClinVar:

ClinVar aggregate classification (germline): Uncertain significance (1 of 4 stars; one submission).

Submission:

GeneDx
Classification: Uncertain significance. Last evaluated: 2026-05-19. Review status: criteria provided, single submitter. Criteria: GeneDx Variant Classification Process June 2021. Collection method: clinical testing. Allele origin: germline.
Comment: Not observed at significant frequency in large population cohorts (gnomAD); In silico analysis supports that this missense variant has a deleterious effect on protein structure/function; Has not been previously published as pathogenic or benign to our knowledge

NM_006421.5(ARFGEF1):c.5167G>A (p.Glu1723Lys)

Gene: ARFGEF1 (ARF guanine nucleotide exchange factor 1; minus strand). Cytogenetic location: 8q13.2.
Variant type: single nucleotide variant.
Coding change: c.5167G>A on transcript NM_006421.5 (MANE Select); coding-DNA position 5167, G replaced by A.
Protein change: p.Glu1723Lys; replaces glutamic acid 1723 with lysine.
Molecular consequence: missense variant. On other transcripts: non-coding transcript variant (1).
Genome position (GRCh38, 1-based): chr8:67,201,567, C>T on the plus strand (G>A on the coding strand, the complement: ARFGEF1 is on the minus strand). VCF-style: chr8-67201567-C-T. GRCh37 (hg19) VCF-style: chr8-68113802-C-T.
Other names: c.5167G>A, p.Glu1723Lys (NM_001413184.1, NM_001413187.1, NM_001413194.1); c.5149G>A, p.Glu1717Lys (NM_001413185.1, NM_001413186.1, NM_001413189.1); c.4567G>A, p.Glu1523Lys (NM_001413188.1, NM_001413197.1); c.5161G>A, p.Glu1721Lys (NM_001413190.1); c.5071G>A, p.Glu1691Lys (NM_001413191.1); c.5053G>A, p.Glu1685Lys (NM_001413192.1); c.4549G>A, p.Glu1517Lys (NM_001413193.1); c.3742G>A, p.Glu1248Lys (NM_001413196.1); short protein forms E1248K, E1517K, E1523K, E1685K, E1691K, E1717K, E1721K, E1723K.
Identifiers: ClinVar variation 3364577 (VCV003364577.2).